The following is an entry in ClinVar:

ClinVar aggregate classification (germline): Uncertain significance (1 of 4 stars; one submission).

Conditions:
Charcot-Marie-Tooth disease type 2. Also called: Charcot-Marie-Tooth type 2. Identifiers: Orphanet 64746, MedGen C0270914, MONDO:0018993.

Allele frequency attached by ClinVar (database versions not stated): TOPMed 0.00003; gnomAD exomes below 0.00001; gnomAD 0.00001.
gnomAD v4.1: 35 of 1,613,784 alleles (0.0022%); highest among the groups gnomAD compares: Non-Finnish European, 0.0029%; no homozygotes.

Submission:

Labcorp Genetics (formerly Invitae), Labcorp
Classification: Uncertain significance for Charcot-Marie-Tooth disease type 2. Last evaluated: 2024-04-11. Review status: criteria provided, single submitter. Criteria: Invitae Variant Classification Sherloc (09022015). Collection method: clinical testing. Allele origin: germline.
Comment: This sequence change replaces glutamine, which is neutral and polar, with histidine, which is basic and polar, at codon 221 of the AARS protein (p.Gln221His). This variant is present in population databases (no rsID available, gnomAD 0.0009%). This variant has not been reported in the literature in individuals affected with AARS-related conditions. ClinVar contains an entry for this variant (Variation ID: 573089). Advanced modeling of protein sequence and biophysical properties (such as structural, functional, and spatial information, amino acid conservation, physicochemical variation, residue mobility, and thermodynamic stability) has been performed at Invitae for this missense variant, however the output from this modeling did not meet the statistical confidence thresholds required to predict the impact of this variant on AARS protein function. In summary, the available evidence is currently insufficient to determine the role of this variant in disease. Therefore, it has been classified as a Variant of Uncertain Significance.

NM_001605.3(AARS1):c.663G>C (p.Gln221His)

Gene: AARS1 (alanyl-tRNA synthetase 1; minus strand). Cytogenetic location: 16q22.1.
Variant type: single nucleotide variant.
Coding change: c.663G>C on transcript NM_001605.3 (MANE Select); coding-DNA position 663, G replaced by C.
Protein change: p.Gln221His; replaces glutamine 221 with histidine.
Molecular consequence: missense variant.
Genome position (GRCh38, 1-based): chr16:70,271,789, C>G on the plus strand (G>C on the coding strand, the complement: AARS1 is on the minus strand). VCF-style: chr16-70271789-C-G. GRCh37 (hg19) VCF-style: chr16-70305692-C-G.
Other names: short protein forms Q221H.
Identifiers: ClinVar variation 573089 (VCV000573089.11), dbSNP rs1028028699, ClinGen allele CA283444211.